The following is an entry in ClinVar:

ClinVar aggregate classification (germline): Uncertain significance (1 of 4 stars; one submission).

Conditions:
Hereditary cancer-predisposing syndrome. Also called: Hereditary Cancer Syndrome; Hereditary neoplastic syndrome; Neoplastic Syndromes, Hereditary; Tumor predisposition. Identifiers: Orphanet 140162, MedGen C0027672, MeSH D009386, MONDO:0015356.

Submission:

Ambry Genetics
Classification: Uncertain significance for Hereditary cancer-predisposing syndrome. Last evaluated: 2025-04-09. Review status: criteria provided, single submitter. Criteria: Ambry Variant Classification Scheme 2023. Collection method: clinical testing. Allele origin: germline.
Comment: The p.L317P variant (also known as c.950T>C), located in coding exon 7 of the PTCH1 gene, results from a T to C substitution at nucleotide position 950. The leucine at codon 317 is replaced by proline, an amino acid with similar properties. This amino acid position is not well conserved in available vertebrate species. In addition, the in silico prediction for this alteration is inconclusive. Based on the available evidence, the clinical significance of this variant remains unclear.

NM_000264.5(PTCH1):c.950T>C (p.Leu317Pro)

Gene: PTCH1 (patched 1; minus strand). Cytogenetic location: 9q22.32.
Variant type: single nucleotide variant.
Coding change: c.950T>C on transcript NM_000264.5 (MANE Select); coding-DNA position 950, T replaced by C.
Protein change: p.Leu317Pro; replaces leucine 317 with proline.
Molecular consequence: missense variant. On other transcripts: non-coding transcript variant (1).
Genome position (GRCh38, 1-based): chr9:95,480,086, A>G on the plus strand (T>C on the coding strand, the complement: PTCH1 is on the minus strand). VCF-style: chr9-95480086-A-G. GRCh37 (hg19) VCF-style: chr9-98242368-A-G.
Other names: c.752T>C, p.Leu251Pro (NM_001083602.3); c.947T>C, p.Leu316Pro (NM_001083603.3); c.497T>C, p.Leu166Pro (NM_001083604.3, NM_001083605.3, NM_001083606.3 and 1 more transcripts); c.950T>C, p.Leu317Pro (NM_001354918.2); short protein forms L166P, L316P, L251P, L317P.
Identifiers: ClinVar variation 1767224 (VCV001767224.3), dbSNP rs2118396522, ClinGen allele CA374119824.